The following is an entry in ClinVar:

ClinVar aggregate classification (germline): Likely pathogenic (1 of 4 stars; one submission).

Conditions:
Mitochondrial complex I deficiency, nuclear type 28. Also called: Mitochondrial complex 1 deficiency, nuclear type 28. Identifiers: MedGen C4748827, MONDO:0032632, OMIM 618249.

Submission:

First Genomix Gene Laboratory, Genetic Diagnostics Department
Classification: Likely pathogenic for Mitochondrial complex I deficiency, nuclear type 28. Last evaluated: 2025-09-26. Review status: criteria provided, single submitter. Criteria: ACMG Guidelines, 2015. Collection method: clinical testing. Allele origin: germline. Inheritance: Autosomal recessive inheritance. Affected: no. Observed: 1 variant allele.

NM_015965.7(NDUFA13):c.44del (p.Gly15fs)

Genes: NDUFA13 (NADH:ubiquinone oxidoreductase subunit A13; plus strand), LOC130064074 (ATAC-STARR-seq lymphoblastoid active region 14360; plus strand). Cytogenetic location: 19p13.11.
Variant type: Deletion.
Coding change: c.44del on transcript NM_015965.7 (MANE Select); coding-DNA position 44, one base deleted (G; older notation c.44delG).
Protein change: p.Gly15fs; shifts the reading frame from glycine 15.
Molecular consequence: frameshift variant.
Genome position (GRCh38, 1-based): chr19:19,516,282, G deleted; the last of 6 consecutive G bases (chr19:19,516,277-19,516,282); deleting any one gives the same sequence. VCF-style (leftmost placement, unchanged base first): chr19-19516276-CG-C. GRCh37 (hg19) VCF-style: chr19-19627085-CG-C.
Other names: short protein forms G15fs.
Identifiers: ClinVar variation 4850467 (VCV004850467.1).